The following is an entry in ClinVar:

NM_024642.5(GALNT12):c.989C>T (p.Thr330Ile)

Gene: GALNT12 (polypeptide N-acetylgalactosaminyltransferase 12; plus strand). Cytogenetic location: 9q22.33.
Variant type: single nucleotide variant.
Coding change: c.989C>T on transcript NM_024642.5 (MANE Select); coding-DNA position 989, C replaced by T.
Protein change: p.Thr330Ile; replaces threonine 330 with isoleucine.
Molecular consequence: missense variant.
Genome position (GRCh38, 1-based): chr9:98,835,320, C>T. VCF-style: chr9-98835320-C-T. GRCh37 (hg19) VCF-style: chr9-101597602-C-T.
Other names: short protein forms T330I.
Identifiers: ClinVar variation 4826982 (VCV004826982.1).

ClinVar aggregate classification (germline): Uncertain significance (1 of 4 stars; one submission).

gnomAD v4.1: 1 of 1,613,802 alleles (0.000062%); highest among the groups gnomAD compares: South Asian, 0.0011%; no homozygotes.

Submission:

Ambry Genetics
Classification: Uncertain significance. Last evaluated: 2026-03-03. Review status: criteria provided, single submitter. Criteria: Ambry Variant Classification Scheme 2023. Collection method: clinical testing. Allele origin: germline.
Comment: The p.T330I variant (also known as c.989C>T), located in coding exon 5 of the GALNT12 gene, results from a C to T substitution at nucleotide position 989. The threonine at codon 330 is replaced by isoleucine, an amino acid with similar properties. This amino acid position is conserved. In addition, the in silico prediction for this alteration is inconclusive. Based on the available evidence, the clinical significance of this variant remains unclear.